The following is an entry in ClinVar:

NM_001014987.2(LAT):c.341-38G>A

Gene: LAT (linker for activation of T cells; plus strand). Cytogenetic location: 16p11.2.
Variant type: single nucleotide variant.
Coding change: c.341-38G>A on transcript NM_001014987.2 (MANE Select); 38 bases into the intron before coding-DNA position 341, G replaced by A.
Molecular consequence: intron variant. On other transcripts: synonymous variant (1).
Genome position (GRCh38, 1-based): chr16:28,986,619, G>A. VCF-style: chr16-28986619-G-A. GRCh37 (hg19) VCF-style: chr16-28997940-G-A.
Other names: c.390G>A, p.Pro130= (NM_014387.4); c.449-38G>A (NM_001014989.2); c.338-38G>A (NM_001014988.2).
Identifiers: ClinVar variation 1285035 (VCV001285035.28), dbSNP rs145698858, ClinGen allele CA7989968.

ClinVar aggregate classification (germline): Likely benign. Review status: criteria provided, multiple submitters, no conflicts (2 of 4 stars). 5 submissions from 5 submitters: Likely benign (3). 2 of the submissions do not count toward it. Last evaluated 2026-07-01.

Allele frequency attached by ClinVar (database versions not stated): TOPMed 0.00116; 1000 Genomes Project 0.00120; 1000 Genomes Project 30x 0.00125; gnomAD 0.00134 and 0.00140; ESP Exome Variant Server 0.00139; gnomAD exomes 0.00206 and 0.00163; ExAC 0.00181.
gnomAD v4.1: 3,225 of 1,613,936 alleles (0.2%); highest among the groups gnomAD compares: Non-Finnish European, 0.24%; 4 homozygotes.

Submissions (5):

CeGaT Center for Human Genetics Tuebingen
Classification: Likely benign. Last evaluated: 2026-07-01. Review status: criteria provided, single submitter. Criteria: CeGaT Center For Human Genetics Tuebingen Variant Classification Criteria Version 2. Collection method: clinical testing. Allele origin: germline. Affected: yes. Observed: 5 variant alleles.
Comment: LAT: BP4, BP7

Blueprint Genetics
Classification: Likely benign. Last evaluated: 2024-11-27. Review status: criteria provided, single submitter. Criteria: ACMG Guidelines, 2015. Collection method: clinical testing. Allele origin: germline.

Breakthrough Genomics
Classification: Likely benign. Review status: criteria provided, single submitter. Criteria: ACMG Guidelines, 2015. Collection method: not provided. Allele origin: germline. Inheritance: Autosomal recessive inheritance. Affected: yes.

Clinical Genetics DNA and cytogenetics Diagnostics Lab, Erasmus MC, Erasmus Medical Center
Classification: Likely benign. Review status: no assertion criteria provided. Collection method: clinical testing. Allele origin: germline. Affected: yes. Study: VKGL Data-share Consensus. Not counted in ClinVar's aggregate classification.

Genome Diagnostics Laboratory, University Medical Center Utrecht
Classification: Likely benign. Review status: no assertion criteria provided. Collection method: clinical testing. Allele origin: germline. Affected: yes. Study: VKGL Data-share Consensus. Not counted in ClinVar's aggregate classification.